The following is an entry in ClinVar:

NM_017446.4(MRPL39):c.119T>A (p.Leu40Ter)

Gene: MRPL39 (mitochondrial ribosomal protein L39; minus strand). Cytogenetic location: 21q21.3.
Variant type: single nucleotide variant.
Coding change: c.119T>A on transcript NM_017446.4 (MANE Select); coding-DNA position 119, T replaced by A.
Protein change: p.Leu40Ter; replaces leucine 40 with a stop codon.
Molecular consequence: nonsense.
Genome position (GRCh38, 1-based): chr21:25,606,610, A>T on the plus strand (T>A on the coding strand, the complement: MRPL39 is on the minus strand). VCF-style: chr21-25606610-A-T. GRCh37 (hg19) VCF-style: chr21-26978922-A-T.
Other names: c.119T>A, p.Leu40Ter (NM_080794.4); short protein forms L40*.
Identifiers: ClinVar variation 3376758 (VCV003376758.1).
Genomic context (GRCh38, chr21:25,606,610, plus strand): 5'-GGAGTTAATGATAACTGCCTGGCTTTCTCTTTATTAAAGAGATCATTCCGCATTTCTGTC[A>T]ATTCTGTCGGTGACAGCTGAGAAGCTGACGATGTTGCTATAAATCCTGTGGAGAAGTTAC-3'

ClinVar aggregate classification (germline): Likely pathogenic (1 of 4 stars; one submission).

Conditions:
Mitochondrial disease. Also called: Mitochondrial disorder; Mitochondrial disorders. Identifiers: Orphanet 68380, MedGen C0751651, MeSH D028361, MONDO:0044970.

gnomAD v4.1: 4 of 1,613,928 alleles (0.00025%); highest among the groups gnomAD compares: African/African-American, 0.0013%; no homozygotes.

Submission:

Victorian Clinical Genetics Services, Murdoch Childrens Research Institute
Classification: Likely pathogenic for Mitochondrial disease. Last evaluated: 2023-07-17. Review status: criteria provided, single submitter. Criteria: ACMG Guidelines, 2015. Collection method: clinical testing. Allele origin: germline. Inheritance: Autosomal recessive inheritance. Affected: yes.
Comment: Based on the classification scheme VCGS_Germline_v1.3.4, this variant is classified as Likely pathogenic. Following criteria are met: 0102 - Loss of function is a known mechanism of disease in this gene and is associated with mitochondrial disease MONDO:0044970, MRPL39-related. (I) 0106 - This gene is associated with autosomal recessive disease. (I) 0205 - Variant is predicted to result in a truncated protein with less than 1/3 of the protein sequence affected. RNASeq performed in a research setting indicates that this allele escapes nonsense-mediated decay (NMD). The likely, but unconfirmed, mechanism of NMD-escape for this allele is re-initiation of translation at a downstream start codon (Met43). The resulting protein would lack the N-terminal 42 residues. (SP) 0251 - This variant is heterozygous. (I) 0304 - Variant is present in gnomAD <0.01 for a recessive condition (1 heterozygote, 0 homozygotes). (SP) 0705 - No comparable NMD-escape variants have previous evidence for pathogenicity. One NMD-escape variant resulting in a C-terminal truncation has been reported; the other loss of function variants reported were confirmed to result in NMD (PMID: 37133451). (I) 0807 - This variant has no previous evidence of pathogenicity. (I) 0905 - No published segregation evidence has been identified for this variant. (I) 1010 - Functional evidence for this variant is inconclusive, but supportive of MRPL39-related mitochondrial disease. Proteomic data for this patient is indicative of mitoribosome destablisation which is consistent with what has been reported previously for patients with MRPL39-related mitochondrial disease (Stroud lab, personal communication). However, these data are not specific to MRPL39. (I) 1201 - Heterozygous variant detected in trans with a second pathogenic heterozygous variant (c.589-924G>A) in a recessive disease. (I) Legend: (SP) - Supporting pathogenic, (I) - Information, (SB) - Supporting benign

Literature cited by the submitters: PubMed 37133451.